The following is an entry in ClinVar:

NM_004974.4(KCNA2):c.788T>C (p.Ile263Thr)

Gene: KCNA2 (potassium voltage-gated channel subfamily A member 2; minus strand). Cytogenetic location: 1p13.3.
Variant type: single nucleotide variant.
Coding change: c.788T>C on transcript NM_004974.4 (MANE Select); coding-DNA position 788, T replaced by C.
Protein change: p.Ile263Thr; replaces isoleucine 263 with threonine.
Molecular consequence: missense variant.
Genome position (GRCh38, 1-based): chr1:110,603,995, A>G on the plus strand (T>C on the coding strand, the complement: KCNA2 is on the minus strand). VCF-style: chr1-110603995-A-G. GRCh37 (hg19) VCF-style: chr1-111146617-A-G.
Other names: c.788T>C, p.Ile263Thr (NM_001204269.2); short protein forms I263T.
Identifiers: ClinVar variation 190326 (VCV000190326.12), dbSNP rs786205231, ClinGen allele CA199673.

ClinVar aggregate classification (germline): Pathogenic. Review status: criteria provided, single submitter (1 of 4 stars). 2 submissions from 2 submitters: Pathogenic (1). 1 of the submissions does not count toward it. Last evaluated 2023-10-17.

Conditions:
Developmental and epileptic encephalopathy, 32 (DEE32). Also called: Epileptic encephalopathy, early infantile, 32. Identifiers: Orphanet 442835, MedGen C4225350, MONDO:0014607, OMIM 616366.

Submissions (2):

Labcorp Genetics (formerly Invitae), Labcorp
Classification: Pathogenic for Developmental and epileptic encephalopathy, 32. Last evaluated: 2023-10-17. Review status: criteria provided, single submitter. Criteria: Invitae Variant Classification Sherloc (09022015). Collection method: clinical testing. Allele origin: germline.
Comment: This sequence change replaces isoleucine, which is neutral and non-polar, with threonine, which is neutral and polar, at codon 263 of the KCNA2 protein (p.Ile263Thr). This variant is not present in population databases (gnomAD no frequency). This missense change has been observed in individual(s) with epileptic encephalopathy (PMID: 25751627; Invitae). In at least one individual the variant was observed to be de novo. ClinVar contains an entry for this variant (Variation ID: 190326). Advanced modeling of protein sequence and biophysical properties (such as structural, functional, and spatial information, amino acid conservation, physicochemical variation, residue mobility, and thermodynamic stability) performed at Invitae indicates that this missense variant is expected to disrupt KCNA2 protein function. Experimental studies have shown that this missense change affects KCNA2 function (PMID: 25751627). For these reasons, this variant has been classified as Pathogenic.

OMIM
Classification: Pathogenic for DEVELOPMENTAL AND EPILEPTIC ENCEPHALOPATHY 32. Last evaluated: 2015-04-01. Review status: no assertion criteria provided. Collection method: literature only. Allele origin: germline. Not counted in ClinVar's aggregate classification.

Literature cited by the submitters: PubMed 25751627 (cited by Labcorp Genetics (formerly Invitae), Labcorp and OMIM).